The following is an entry in ClinVar:

ClinVar aggregate classification (germline): Conflicting classifications of pathogenicity. Review status: criteria provided, conflicting classifications (1 of 4 stars). 3 submissions from 3 submitters: Uncertain significance (1); Likely benign (2). Last evaluated 2026-09-01.

Conditions:
ANLN-related disorder. Also called: ANLN-related condition.

Allele frequency attached by ClinVar (database versions not stated): gnomAD 0.00020 and 0.00046; ESP Exome Variant Server 0.00023; ExAC 0.00028; gnomAD exomes 0.00030 and 0.00031; TOPMed 0.00055.
gnomAD v4.1: 508 of 1,604,012 alleles (0.032%); highest among the groups gnomAD compares: South Asian, 0.093%; no homozygotes.

Submissions (3):

PreventionGenetics, part of Exact Sciences
Classification: Uncertain significance for ANLN-related condition. Last evaluated: 2026-09-01. Review status: criteria provided, single submitter. Criteria: ACMG Guidelines, 2015. Collection method: clinical testing. Allele origin: germline.
Comment: The ANLN c.2462C>T variant is predicted to result in the amino acid substitution p.Thr821Met. This variant was reported in an individual with features of focal segmental glomerulosclerosis; however, pathogenicity was not established with segregation or functional analysis (Geminiganesan et al 2021. PubMed ID: 34819827). This variant is reported in 0.097% of alleles in individuals of South Asian descent in gnomAD, which may be too common for an autosomal dominant disorder. While we suspect this variant may be benign, at this time the clinical significance of this variant is uncertain due to the absence of conclusive functional and genetic evidence.

Labcorp Genetics (formerly Invitae), Labcorp
Classification: Likely benign. Last evaluated: 2025-12-03. Review status: criteria provided, single submitter. Criteria: Invitae Variant Classification Sherloc (09022015). Collection method: clinical testing. Allele origin: germline.

Blueprint Genetics
Classification: Likely benign. Last evaluated: 2024-11-21. Review status: criteria provided, single submitter. Criteria: ACMG Guidelines, 2015. Collection method: clinical testing. Allele origin: germline.

NM_018685.5(ANLN):c.2462C>T (p.Thr821Met)

Gene: ANLN (anillin, actin binding protein; plus strand). Cytogenetic location: 7p14.2.
Variant type: single nucleotide variant.
Coding change: c.2462C>T on transcript NM_018685.5 (MANE Select); coding-DNA position 2462, C replaced by T.
Protein change: p.Thr821Met; replaces threonine 821 with methionine.
Molecular consequence: missense variant.
Genome position (GRCh38, 1-based): chr7:36,422,795, C>T. VCF-style: chr7-36422795-C-T. GRCh37 (hg19) VCF-style: chr7-36462404-C-T.
Other names: c.2351C>T, p.Thr784Met (NM_001284301.3); c.2348C>T, p.Thr783Met (NM_001284302.3); c.2462C>T (NM_018685.4); short protein forms T783M, T784M, T821M.
Identifiers: ClinVar variation 1104647 (VCV001104647.11), dbSNP rs150551001, ClinGen allele CA4219864.
Genomic context (GRCh38, chr7:36,422,795, plus strand): 5'-AAGGATCAGTTACTTTGTCAGAAATCCGCTTGCCTCTAAAAGCAGATTTTGTCTGCAGTA[C>T]GGTTCAGAAACCAGGTATGGTGGTGATTTTTCTAGATTGTGTGTTAAATTATGAACCTCA-3'
Protein context (NP_061155.2, residues 811-831): LPLKADFVCS[Thr821Met]VQKPDAANYY